The following is an entry in ClinVar:

NM_000363.5(TNNI3):c.616A>G (p.Lys206Glu)

Gene: TNNI3 (troponin I3, cardiac type; minus strand). Cytogenetic location: 19q13.42.
Variant type: single nucleotide variant.
Coding change: c.616A>G on transcript NM_000363.5 (MANE Select); coding-DNA position 616, A replaced by G.
Protein change: p.Lys206Glu; replaces lysine 206 with glutamic acid.
Molecular consequence: missense variant.
Genome position (GRCh38, 1-based): chr19:55,151,851, T>C on the plus strand (A>G on the coding strand, the complement: TNNI3 is on the minus strand). VCF-style: chr19-55151851-T-C. GRCh37 (hg19) VCF-style: chr19-55663219-T-C.
Other names: p.K206E:AAA>GAA; c.616A>G (LRG_432t1); short protein forms K206E.
Identifiers: ClinVar variation 181593 (VCV000181593.2), dbSNP rs104894725, ClinGen allele CA022079.

ClinVar aggregate classification (germline): Pathogenic (1 of 4 stars; one submission).

Submission:

GeneDx
Classification: Pathogenic. Last evaluated: 2013-06-28. Review status: criteria provided, single submitter. Criteria: GeneDx Variant Classification (06012015). Collection method: clinical testing. Allele origin: germline. Affected: yes.
Comment: The Lys206Glu mutation in the TNNI3 gene has not been reported to our knowledge, a mutation affecting this same codon, (Lys206Gln), has been reported in association with HCM (Kimura A et al., 1997). Additionally, mutations in nearby residues (Gly203Ser, Gly203Arg, Arg204Cys, Arg204His) have been reported in association with HCM, further supporting the functional importance of this codon and this region of the protein. Lys206Glu results in a non-conservative amino acid substitution of a positively charged Lysine with a negatively charged Glutamic acid at a position that is conserved across species. In silico analysis predicts Lys206Glu is probably damaging to the protein structure/function. Furthermore, Lys206Glu was not observed in approximately 6,000 individuals of European and African American ancestry in the NHLBI Exome Sequencing Project, indicating it is not a common benign variant in these populations.In summary, Lys206Glu in the TNNI3 gene is interpreted as a likely disease-causing mutation. The variant is found in HCM panel(s).